The following is an entry in ClinVar:

ClinVar aggregate classification (germline): Pathogenic. Review status: reviewed by expert panel (3 of 4 stars). 2 submissions from 2 submitters: Pathogenic (1). 1 of the submissions does not count toward it. Last evaluated 2017-12-15.

Conditions:
Breast-ovarian cancer, familial, susceptibility to, 2 (BROVCA2). Also called: BRCA2 Hereditary Breast and Ovarian Cancer. Identifiers: Orphanet 145, MedGen C2675520, MONDO:0012933, OMIM 612555. Disease mechanism: loss of function.
Familial cancer of breast. Also called: BREAST CANCER, FAMILIAL; Hereditary breast cancer; hereditary breast carcinoma. Identifiers: Orphanet 227535, MedGen C0346153, MONDO:0016419, OMIM 114480. Disease mechanism: loss of function.

Submissions (2):

Evidence-based Network for the Interpretation of Germline Mutant Alleles (ENIGMA)
Classification: Pathogenic for Breast-ovarian cancer, familial, susceptibility to, 2. Last evaluated: 2017-12-15. Review status: reviewed by expert panel. Criteria: ENIGMA BRCA1/2 Classification Criteria (2017-06-29). Collection method: curation. Allele origin: germline. Study: ENIGMA.
Comment: Variant allele predicted to encode a truncated non-functional protein.

ClinVar Staff, National Center for Biotechnology Information (NCBI)
No classification provided. Condition: Familial cancer of breast. Review status: no classification provided. Collection method: literature only. Allele origin: germline. Affected: yes. Not counted in ClinVar's aggregate classification.

Literature cited by the submitters: PubMed 19011960 (cited by ClinVar Staff, National Center for Biotechnology Information (NCBI)).

NM_000059.4(BRCA2):c.6589del (p.Thr2197fs)

Gene: BRCA2 (BRCA2 DNA repair associated; plus strand). Cytogenetic location: 13q13.1.
Variant type: Deletion.
Coding change: c.6589del on transcript NM_000059.4 (MANE Select); coding-DNA position 6589, one base deleted (A; older notation c.6589delA).
Protein change: p.Thr2197fs; shifts the reading frame from threonine 2197.
Molecular consequence: frameshift variant.
Genome position (GRCh38, 1-based): chr13:32,340,944, A deleted; the last of 4 consecutive A bases (chr13:32,340,941-32,340,944); deleting any one gives the same sequence. VCF-style (leftmost placement, unchanged base first): chr13-32340940-TA-T. GRCh37 (hg19) VCF-style: chr13-32915077-TA-T.
Other names: c.6589delA (NM_000059.3); short protein forms T2197fs.
Identifiers: ClinVar variation 52130 (VCV000052130.3), dbSNP rs397507868, ClinGen allele CA024192.